The following is an entry in ClinVar:

ClinVar aggregate classification (germline): Uncertain significance (1 of 4 stars; one submission).

Submission:

Labcorp Genetics (formerly Invitae), Labcorp
Classification: Uncertain significance. Last evaluated: 2023-06-24. Review status: criteria provided, single submitter. Criteria: Invitae Variant Classification Sherloc (09022015). Collection method: clinical testing. Allele origin: germline.
Comment: In summary, the available evidence is currently insufficient to determine the role of this variant in disease. Therefore, it has been classified as a Variant of Uncertain Significance. Algorithms developed to predict the effect of sequence changes on RNA splicing suggest that this variant may create or strengthen a splice site. This variant has not been reported in the literature in individuals affected with GNB1-related conditions. This variant is not present in population databases (gnomAD no frequency). This sequence change falls in intron 3 of the GNB1 gene. It does not directly change the encoded amino acid sequence of the GNB1 protein.

NM_002074.5(GNB1):c.57+11dup

Gene: GNB1 (G protein subunit beta 1; minus strand). Cytogenetic location: 1p36.33.
Variant type: Duplication.
Coding change: c.57+11dup on transcript NM_002074.5 (MANE Select); 11 bases into the intron after coding-DNA position 57, one base duplicated (G; older notation c.57+11dupG).
Molecular consequence: intron variant.
Genome position (GRCh38, 1-based): chr1:1,825,386, C duplicated on the plus strand (G on the coding strand, the reverse complement: GNB1 is on the minus strand). VCF-style (leftmost placement, unchanged base first): chr1-1825385-A-AC. GRCh37 (hg19) VCF-style: chr1-1756824-A-AC.
Other names: c.57+11dup (NM_001282539.2); c.-98+11dup (NM_001282538.2).
Identifiers: ClinVar variation 2727069 (VCV002727069.3), dbSNP rs2523395182, ClinGen allele CA2697552044.